The following is an entry in ClinVar:

ClinVar aggregate classification (germline): Conflicting classifications of pathogenicity. Review status: criteria provided, conflicting classifications (1 of 4 stars). 2 submissions from 2 submitters: Uncertain significance (1); Likely benign (1). Last evaluated 2026-01-01.

Allele frequency attached by ClinVar (database versions not stated): ESP Exome Variant Server 0.00059; gnomAD 0.00068; TOPMed 0.00069; 1000 Genomes Project 0.00100; 1000 Genomes Project 30x 0.00109; gnomAD exomes 0.00006; ExAC 0.00026.
gnomAD v4.1: 198 of 1,613,860 alleles (0.012%); highest among the groups gnomAD compares: African/African-American, 0.25%; 1 homozygote.

Submissions (3):

Labcorp Genetics (formerly Invitae), Labcorp
Classification: Likely benign. Last evaluated: 2026-01-01. Review status: criteria provided, single submitter. Criteria: Invitae Variant Classification Sherloc (09022015). Collection method: clinical testing. Allele origin: germline.

Ambry Genetics
Classification: Uncertain significance. Last evaluated: 2022-11-05. Review status: criteria provided, single submitter. Criteria: Ambry Variant Classification Scheme 2023. Collection method: clinical testing. Allele origin: germline.
Comment: The p.L973F variant (also known as c.2919G>C), located in coding exon 15 of the NPAT gene, results from a G to C substitution at nucleotide position 2919. The leucine at codon 973 is replaced by phenylalanine, an amino acid with highly similar properties. This amino acid position is conserved. In addition, this alteration is predicted to be tolerated by in silico analysis. Since supporting evidence is limited at this time, the clinical significance of this alteration remains unclear.

Dr. Peter K. Rogan Lab, Western University
No classification provided (evidence only). Condition: Gastric cancer. Review status: no classification provided. Collection method: in vitro. Allele origin: not applicable. Functional consequence: retained intron. Not counted in ClinVar's aggregate classification.

NM_002519.3(NPAT):c.2919G>C (p.Leu973Phe)

Gene: NPAT (nuclear protein, coactivator of histone transcription; minus strand). Cytogenetic location: 11q22.3.
Variant type: single nucleotide variant.
Coding change: c.2919G>C on transcript NM_002519.3 (MANE Select); coding-DNA position 2919, G replaced by C.
Protein change: p.Leu973Phe; replaces leucine 973 with phenylalanine.
Molecular consequence: missense variant.
Genome position (GRCh38, 1-based): chr11:108,169,835, C>G on the plus strand (G>C on the coding strand, the complement: NPAT is on the minus strand). VCF-style: chr11-108169835-C-G. GRCh37 (hg19) VCF-style: chr11-108040562-C-G.
Other names: c.2919G>C (NM_002519.2); c.2919G>C, p.Leu973Phe (NM_001321307.1); short protein forms L973F.
Identifiers: ClinVar variation 2194492 (VCV002194492.7), dbSNP rs201676429, ClinGen allele CA6263700.